The following is an entry in ClinVar:

NM_004006.3(DMD):c.131dup (p.Gln45fs)

Gene: DMD (dystrophin; minus strand). Cytogenetic location: Xp21.1.
Variant type: Duplication.
Coding change: c.131dup on transcript NM_004006.3 (MANE Select); coding-DNA position 131, one base duplicated (T; older notation c.131dupT).
Protein change: p.Gln45fs; shifts the reading frame from glutamine 45.
Molecular consequence: frameshift variant. On other transcripts: 5 prime UTR variant (1).
Genome position (GRCh38, 1-based): chrX:32,849,783, A duplicated on the plus strand (T on the coding strand, the reverse complement: DMD is on the minus strand). VCF-style (leftmost placement, unchanged base first): chrX-32849782-T-TA. GRCh37 (hg19) VCF-style: chrX-32867899-T-TA.
Other names: ChrX:32867900insA; c.107dup, p.Gln37fs (NM_000109.4); c.119dup, p.Gln41fs (NM_004009.3); c.-239dup (NM_004010.3); short protein forms Q37fs, Q41fs, Q45fs.
Identifiers: ClinVar variation 984685 (VCV000984685.3), dbSNP rs2080984178, ClinGen allele CA1139667430.

ClinVar aggregate classification (germline): Pathogenic (1 of 4 stars; one submission).

Conditions:
Duchenne muscular dystrophy (DMD). Also called: MUSCULAR DYSTROPHY, PSEUDOHYPERTROPHIC PROGRESSIVE, DUCHENNE TYPE; Duchenne Muscular Dystrophy (DMD). Identifiers: Orphanet 98896, MedGen C0013264, MONDO:0010679, OMIM 310200.

Submission:

Centro de Genética y Biología Molecular, Universidad de San Martín de Porres
Classification: Pathogenic for Duchenne muscular dystrophy. Review status: criteria provided, single submitter. Criteria: ACMG Guidelines, 2015. Collection method: clinical testing. Allele origin: germline. Inheritance: X-linked inheritance. Affected: yes. Observed: 1 compound heterozygote.
Comment: The c.131dup variant has been reported in Leiden Open (source) Variation Database (LOVD) version 3.0 to be classified as pathogenic evidence.